The following is an entry in ClinVar:

NM_000260.4(MYO7A):c.1868G>A (p.Arg623His)

Gene: MYO7A (myosin VIIA; plus strand). Cytogenetic location: 11q13.5.
Variant type: single nucleotide variant.
Coding change: c.1868G>A on transcript NM_000260.4 (MANE Select); coding-DNA position 1868, G replaced by A.
Protein change: p.Arg623His; replaces arginine 623 with histidine.
Molecular consequence: missense variant.
Genome position (GRCh38, 1-based): chr11:77,172,818, G>A. VCF-style: chr11-77172818-G-A. GRCh37 (hg19) VCF-style: chr11-76883864-G-A.
Other names: c.1868G>A, p.Arg623His (NM_001127180.2); c.1835G>A, p.Arg612His (NM_001369365.1); short protein forms R623H, R612H.
Identifiers: ClinVar variation 43162 (VCV000043162.29), dbSNP rs111033416, ClinGen allele CA132227.
Genomic context (GRCh38, chr11:77,172,818, plus strand): 5'-CCAGGAAGCGCTCGCCCACACTTAGCAGCCAGTTCAAGCGGTCACTGGAGCTGCTGATGC[G>A]CACGCTGGGTGCCTGCCAGCCCTTCTTTGTGCGATGCATCAAGCCCAATGAGTTCAAGAA-3'
Protein context (NP_000251.3, residues 613-633): QFKRSLELLM[Arg623His]TLGACQPFFV

ClinVar aggregate classification (germline): Conflicting classifications of pathogenicity. Review status: criteria provided, conflicting classifications (1 of 4 stars). 10 submissions from 10 submitters: Uncertain significance (3); Likely benign (5). 2 of the submissions do not count toward it. Last evaluated 2026-04-01.

Conditions:
Usher syndrome type 1 (USH1). Also called: RETINITIS PIGMENTOSA AND CONGENITAL DEAFNESS. Identifiers: Orphanet 231169, Orphanet 886, MedGen C1568247, MONDO:0010168, OMIM 276900.
Autosomal recessive nonsyndromic hearing loss 2. Also called: NEUROSENSORY NONSYNDROMIC RECESSIVE DEAFNESS 2; DEAFNESS, AUTOSOMAL RECESSIVE 2. Identifiers: Orphanet 90636, MedGen C1838701, MONDO:0010807, OMIM 600060.
MYO7A-related disorder. Also called: MYO7A-related disorders.
Autosomal dominant nonsyndromic hearing loss 11. Identifiers: Orphanet 90635, MedGen C1832475, MONDO:0011032, OMIM 601317.
Usher syndrome type 1B (USH1B). Also called: Usher syndrome type IB. Identifiers: MedGen C1848638, MONDO:0700087.

Allele frequency attached by ClinVar (database versions not stated): TOPMed 0.00029; 1000 Genomes Project 30x 0.00094; 1000 Genomes Project 0.00100.
gnomAD v4.1: 551 of 1,553,612 alleles (0.035%); highest among the groups gnomAD compares: South Asian, 0.31%; 7 homozygotes.

Submissions (10):

CeGaT Center for Human Genetics Tuebingen
Classification: Likely benign. Last evaluated: 2026-04-01. Review status: criteria provided, single submitter. Criteria: CeGaT Center For Human Genetics Tuebingen Variant Classification Criteria Version 2. Collection method: clinical testing. Allele origin: germline. Affected: yes. Observed: 1 variant allele.
Comment: MYO7A: BS1

Labcorp Genetics (formerly Invitae), Labcorp
Classification: Likely benign. Last evaluated: 2026-01-27. Review status: criteria provided, single submitter. Criteria: Invitae Variant Classification Sherloc (09022015). Collection method: clinical testing. Allele origin: germline.

PreventionGenetics, part of Exact Sciences
Classification: Likely benign for MYO7A-related condition. Last evaluated: 2025-03-21. Review status: criteria provided, single submitter. Criteria: ACMG Guidelines, 2015. Collection method: clinical testing. Allele origin: germline.
Comment: This variant is classified as likely benign based on ACMG/AMP sequence variant interpretation guidelines (Richards et al. 2015 PMID: 25741868, with internal and published modifications).

Blueprint Genetics
Classification: Likely benign. Last evaluated: 2024-11-22. Review status: criteria provided, single submitter. Criteria: ACMG Guidelines, 2015. Collection method: clinical testing. Allele origin: germline.

Fulgent Genetics
Classification: Uncertain significance for Usher syndrome type 1; Autosomal recessive nonsyndromic hearing loss 2; Autosomal dominant nonsyndromic hearing loss 11. Last evaluated: 2023-12-22. Review status: criteria provided, single submitter. Criteria: ACMG Guidelines, 2015. Collection method: clinical testing. Allele origin: germline.

Revvity Omics, Revvity
Classification: Uncertain significance. Last evaluated: 2021-10-20. Review status: criteria provided, single submitter. Criteria: ACMG Guidelines, 2015. Collection method: clinical testing. Allele origin: germline.

GeneDx
Classification: Uncertain significance. Last evaluated: 2020-04-07. Review status: criteria provided, single submitter. Criteria: GeneDx Variant Classification Process June 2021. Collection method: clinical testing. Allele origin: germline. Affected: yes.
Comment: Identified in a patient with retinitis pigmentosa in published literature who harbored a homozygous pathogenic variant in BBS2 which the authors considered to be causative (Watson et al., 2014); Identified in a patient with hearing loss in published literature; no specific details on the patient are provided (Iwasa et al., 2016); This variant is associated with the following publications: (PMID: 27911912, 25133751)

Laboratory for Molecular Medicine, Mass General Brigham Personalized Medicine
Classification: Likely benign. Last evaluated: 2015-01-22. Review status: criteria provided, single submitter. Criteria: LMM Criteria. Collection method: clinical testing. Allele origin: germline. Observed: 6 variant alleles.
Comment: p.Arg623His in exon 16 of MYO7A: This variant is not expected to have clinical significance because it has been identified in 0.325% (26/7988) of South Asian c hromosomes by the Exome Aggregation Consortium (ExAC .org; rs111033416). Although this variant has been reported in the heterozygous state in one individual with retinal dystrophy (Watson 2014) and in three indiv iduals with hearing loss by our laboratory, the population frequency indicates t hat it is likely benign.

Natera, Inc.
Classification: Likely benign for Usher syndrome type 1B. Last evaluated: 2020-04-16. Review status: no assertion criteria provided. Collection method: clinical testing. Allele origin: germline. Not counted in ClinVar's aggregate classification.

Counsyl
Classification: Likely benign for Usher syndrome type 1; Autosomal recessive nonsyndromic hearing loss 2. Last evaluated: 2017-10-03. Review status: no assertion criteria provided. Collection method: clinical testing. Allele origin: unknown. Not counted in ClinVar's aggregate classification.

Literature cited by the submitters: PubMed 25133751 (cited by Laboratory for Molecular Medicine, Mass General Brigham Personalized Medicine and Counsyl); PubMed 27911912 (cited by Counsyl).